The following is an entry in ClinVar:

NM_015061.6(KDM4C):c.1115G>C (p.Ser372Thr)

Gene: KDM4C (lysine demethylase 4C; plus strand). Cytogenetic location: 9p24.1.
Variant type: single nucleotide variant.
Coding change: c.1115G>C on transcript NM_015061.6 (MANE Select); coding-DNA position 1115, G replaced by C.
Protein change: p.Ser372Thr; replaces serine 372 with threonine.
Molecular consequence: missense variant. On other transcripts: 5 prime UTR variant (3), non-coding transcript variant (5).
Genome position (GRCh38, 1-based): chr9:6,981,118, G>C. VCF-style: chr9-6981118-G-C. GRCh37 (hg19) VCF-style: chr9-6981118-G-C.
Other names: c.1115G>C, p.Ser372Thr (NM_001146695.4, NM_001304339.4, NM_001353997.3 and 1 more transcripts); c.1181G>C, p.Ser394Thr (NM_001146696.2); c.572G>C, p.Ser191Thr (NM_001304340.4); c.-1121G>C (NM_001353999.3, NM_001354001.3); c.-334G>C (NM_001354000.3); short protein forms S394T, S372T, S191T.
Identifiers: ClinVar variation 5000214 (VCV005000214.1).

ClinVar aggregate classification (germline): Uncertain significance (1 of 4 stars; one submission).

Conditions:
KDM4C-related disorder. Also called: KDM4C-related condition.

Submission:

PreventionGenetics, part of Exact Sciences
Classification: Uncertain significance for KDM4C-related condition. Last evaluated: 2025-04-17. Review status: criteria provided, single submitter. Criteria: ACMG Guidelines, 2015. Collection method: clinical testing. Allele origin: germline.
Comment: The KDM4C c.1115G>C variant is predicted to result in the amino acid substitution p.Ser372Thr. This variant occurs at the last nucleotide of the exon and, based on available splicing prediction programs, is predicted to impact splicing (SpliceAI, Jaganathan et al. 2019. PubMed ID: 30661751). To our knowledge, this variant has not been reported in the literature or in a large population database (gnomAD), indicating this variant is rare. Although we suspect that this variant may be pathogenic, at this time, the clinical significance of this variant is uncertain due to the absence of conclusive functional and genetic evidence.